The following is an entry in ClinVar:

ClinVar aggregate classification (germline): Uncertain significance (1 of 4 stars; one submission).

Conditions:
Hereditary cancer-predisposing syndrome. Also called: Neoplastic Syndromes, Hereditary; Tumor predisposition; Hereditary neoplastic syndrome; Hereditary Cancer Syndrome. Identifiers: Orphanet 140162, MedGen C0027672, MeSH D009386, MONDO:0015356.

Submission:

Ambry Genetics
Classification: Uncertain significance for Hereditary cancer-predisposing syndrome. Last evaluated: 2026-07-02. Review status: criteria provided, single submitter. Criteria: Ambry Variant Classification Scheme 2023. Collection method: clinical testing. Allele origin: germline.
Comment: The p.K349E variant (also known as c.1045A>G), located in coding exon 7 of the MSH3 gene, results from an A to G substitution at nucleotide position 1045. The lysine at codon 349 is replaced by glutamic acid, an amino acid with similar properties. This amino acid position is conserved. In addition, this alteration is predicted to be tolerated by in silico analysis. Based on the available evidence, the clinical significance of this variant remains unclear.

NM_002439.5(MSH3):c.1045A>G (p.Lys349Glu)

Gene: MSH3 (mutS homolog 3; plus strand). Cytogenetic location: 5q14.1.
Variant type: single nucleotide variant.
Coding change: c.1045A>G on transcript NM_002439.5 (MANE Select); coding-DNA position 1045, A replaced by G.
Protein change: p.Lys349Glu; replaces lysine 349 with glutamic acid.
Molecular consequence: missense variant.
Genome position (GRCh38, 1-based): chr5:80,675,000, A>G. VCF-style: chr5-80675000-A-G. GRCh37 (hg19) VCF-style: chr5-79970819-A-G.
Other names: short protein forms K349E.
Identifiers: ClinVar variation 5024756 (VCV005024756.1).